The following is an entry in ClinVar:

ClinVar aggregate classification (germline): Uncertain significance (1 of 4 stars; one submission).

Conditions:
Hereditary nonpolyposis colorectal neoplasms. Identifiers: MedGen C0009405, MeSH D003123.

Submission:

Labcorp Genetics (formerly Invitae), Labcorp
Classification: Uncertain significance for Hereditary nonpolyposis colorectal neoplasms. Last evaluated: 2018-08-15. Review status: criteria provided, single submitter. Criteria: Invitae Variant Classification Sherloc (09022015). Collection method: clinical testing. Allele origin: germline.
Comment: In summary, the available evidence is currently insufficient to determine the role of this variant in disease. Therefore, it has been classified as a Variant of Uncertain Significance. Algorithms developed to predict the effect of missense changes on protein structure and function are either unavailable or do not agree on the potential impact of this missense change (SIFT: "Tolerated"; PolyPhen-2: "Probably Damaging"; Align-GVGD: "Class C0"). This variant has not been reported in the literature in individuals with MSH6-related disease. This variant is not present in population databases (ExAC no frequency). This sequence change replaces aspartic acid with asparagine at codon 94 of the MSH6 protein (p.Asp94Asn). The aspartic acid residue is moderately conserved and there is a small physicochemical difference between aspartic acid and asparagine.

NM_000179.3(MSH6):c.280G>A (p.Asp94Asn)

Gene: MSH6 (mutS homolog 6; plus strand). Cytogenetic location: 2p16.3.
Variant type: single nucleotide variant.
Coding change: c.280G>A on transcript NM_000179.3 (MANE Select); coding-DNA position 280, G replaced by A.
Protein change: p.Asp94Asn; replaces aspartic acid 94 with asparagine.
Molecular consequence: missense variant. On other transcripts: 5 prime UTR variant (2), intron variant (1).
Genome position (GRCh38, 1-based): chr2:47,790,946, G>A. VCF-style: chr2-47790946-G-A. GRCh37 (hg19) VCF-style: chr2-48018085-G-A.
Other names: c.-457G>A (NM_001281493.2); c.-623G>A (NM_001281494.2); c.237+7476G>A (NM_001281492.2); short protein forms D94N.
Identifiers: ClinVar variation 665800 (VCV000665800.8), dbSNP rs1553410216, ClinGen allele CA346736566.
Genomic context (GRCh38, chr2:47,790,946, plus strand): 5'-ACCAAATATTAACTAAGTTATGTATTTCCTTTTGGCAACAGTTGTGACTTCTCACCAGGA[G>A]ATTTGGTTTGGGCCAAGATGGAGGGTTACCCCTGGTGGCCTTGTCTGGTTTACAACCACC-3'
Protein context (NP_000170.1, residues 84-104): APTSCDFSPG[Asp94Asn]LVWAKMEGYP